The following is an entry in ClinVar:

NM_001282933.2(ZNF341):c.2512G>A (p.Glu838Lys)

Genes: ZNF341 (zinc finger protein 341; plus strand), ZNF341-AS1 (ZNF341 antisense RNA 1; minus strand). Cytogenetic location: 20q11.22.
Variant type: single nucleotide variant.
Coding change: c.2512G>A on transcript NM_001282933.2 (MANE Select); coding-DNA position 2512, G replaced by A.
Protein change: p.Glu838Lys; replaces glutamic acid 838 with lysine.
Molecular consequence: missense variant. On other transcripts: non-coding transcript variant (1).
Genome position (GRCh38, 1-based): chr20:33,791,464, G>A. VCF-style: chr20-33791464-G-A. GRCh37 (hg19) VCF-style: chr20-32379270-G-A.
Other names: c.2491G>A, p.Glu831Lys (NM_032819.5); c.2491G>A (NM_032819.3); c.2242G>A, p.Glu748Lys (NM_001282935.2); short protein forms E831K, E838K, E748K.
Identifiers: ClinVar variation 1525412 (VCV001525412.6), dbSNP rs780567337, ClinGen allele CA9819826.
Genomic context (GRCh38, chr20:33,791,464, plus strand): 5'-CCTGGACACGCTGAGGGGCTGGGCTCCAACCTGGCTCTGGCGGAGCTGCAGGCTGGGGCC[G>A]AGGGCCCATGTGCCATGCTCGCTGTGCCCGTCTACATCCAGGCCTCCGAGTGACGGACCT-3'
Protein context (NP_001269862.1, residues 828-848): LALAELQAGA[Glu838Lys]GPCAMLAVPV

ClinVar aggregate classification (germline): Uncertain significance. Review status: criteria provided, multiple submitters, no conflicts (2 of 4 stars). 2 submissions from 2 submitters: Uncertain significance (2). Last evaluated 2022-07-13.

Allele frequency attached by ClinVar (database versions not stated): gnomAD 0.00001; TOPMed 0.00002; gnomAD exomes 0.00003 and 0.00006; ExAC 0.00012.
gnomAD v4.1: 42 of 1,600,644 alleles (0.0026%); highest among the groups gnomAD compares: South Asian, 0.0044%; no homozygotes.

Submissions (2):

Labcorp Genetics (formerly Invitae), Labcorp
Classification: Uncertain significance. Last evaluated: 2022-07-13. Review status: criteria provided, single submitter. Criteria: Invitae Variant Classification Sherloc (09022015). Collection method: clinical testing. Allele origin: germline.
Comment: This sequence change replaces glutamic acid, which is acidic and polar, with lysine, which is basic and polar, at codon 831 of the ZNF341 protein (p.Glu831Lys). This variant is present in population databases (rs780567337, gnomAD 0.01%). This variant has not been reported in the literature in individuals affected with ZNF341-related conditions. ClinVar contains an entry for this variant (Variation ID: 1525412). Algorithms developed to predict the effect of missense changes on protein structure and function are either unavailable or do not agree on the potential impact of this missense change (SIFT: "Deleterious"; PolyPhen-2: "Benign"; Align-GVGD: "Class C0"). In summary, the available evidence is currently insufficient to determine the role of this variant in disease. Therefore, it has been classified as a Variant of Uncertain Significance.

Ambry Genetics
Classification: Uncertain significance. Last evaluated: 2021-08-17. Review status: criteria provided, single submitter. Criteria: Ambry Variant Classification Scheme 2023. Collection method: clinical testing. Allele origin: germline.